The following is an entry in ClinVar:

NM_000528.4(MAN2B1):c.165C>A (p.Cys55Ter)

Gene: MAN2B1 (mannosidase alpha class 2B member 1; minus strand). Cytogenetic location: 19p13.13.
Variant type: single nucleotide variant.
Coding change: c.165C>A on transcript NM_000528.4 (MANE Select); coding-DNA position 165, C replaced by A.
Protein change: p.Cys55Ter; replaces cysteine 55 with a stop codon.
Molecular consequence: nonsense.
Genome position (GRCh38, 1-based): chr19:12,665,800, G>T on the plus strand (C>A on the coding strand, the complement: MAN2B1 is on the minus strand). VCF-style: chr19-12665800-G-T. GRCh37 (hg19) VCF-style: chr19-12776614-G-T.
Other names: c.165C>A, p.Cys55Ter (NM_001173498.2, NM_001440570.1); short protein forms C55*.
Identifiers: ClinVar variation 5011439 (VCV005011439.1).
Genomic context (GRCh38, chr19:12,665,800, plus strand): 5'-CACGTCATCATGTGTGTGAGGCAGCAGGTGCACGTTCAGCATGTTCGGCTGCACTGTGGG[G>T]CATGTCTGCACAGGGACCCCAAACACACATACCTTGTCAATAACCCCCGAGGTCGGGGGC-3'

ClinVar aggregate classification (germline): Pathogenic (1 of 4 stars; one submission).

Conditions:
Deficiency of alpha-mannosidase (MANSA). Also called: LYSOSOMAL ALPHA-D-MANNOSIDASE DEFICIENCY; Alpha-Mannosidosis; Mannosidosis, alpha-, types I and II. Identifiers: Orphanet 61, MedGen C0024748, MONDO:0009561, OMIM 248500.

Submission:

Myriad Genetics, Inc.
Classification: Pathogenic for Deficiency of alpha-mannosidase. Last evaluated: 2023-08-21. Review status: criteria provided, single submitter. Criteria: Myriad Autosomal Dominant, Autosomal Recessive and X-Linked Classification Criteria (2023). Collection method: clinical testing. Allele origin: unknown.
Comment: NM_000528.3(MAN2B1):c.165C>A(C55*) is expected to be pathogenic in the context of alpha-mannosidosis. This variant is predicted to lead to an abnormal or absent protein product due to the creation of a premature termination codon in MAN2B1, a gene where loss-of-function variants are known to be pathogenic. Please note: this variant was assessed in the context of healthy population screening.